The following is an entry in ClinVar:

NM_000124.4(ERCC6):c.2817C>G (p.Ser939Arg)

Genes: ERCC6 (ERCC excision repair 6, chromatin remodeling factor; minus strand), LOC126860933 (BRD4-independent group 4 enhancer GRCh37_chr10:50679962-50681161; plus strand). Cytogenetic location: 10q11.23.
Variant type: single nucleotide variant.
Coding change: c.2817C>G on transcript NM_000124.4 (MANE Select); coding-DNA position 2817, C replaced by G.
Protein change: p.Ser939Arg; replaces serine 939 with arginine.
Molecular consequence: missense variant.
Genome position (GRCh38, 1-based): chr10:49,472,921, G>C on the plus strand (C>G on the coding strand, the complement: ERCC6 is on the minus strand). VCF-style: chr10-49472921-G-C. GRCh37 (hg19) VCF-style: chr10-50680967-G-C.
Other names: c.2817C>G, p.Ser939Arg (NM_001346440.2); short protein forms S939R.
Identifiers: ClinVar variation 2015836 (VCV002015836.1), dbSNP rs2495980470, ClinGen allele CA376718983.

ClinVar aggregate classification (germline): Uncertain significance (1 of 4 stars; one submission).

Allele frequency attached by ClinVar (database versions not stated): gnomAD exomes below 0.00001.
gnomAD v4.1: 1 of 1,613,798 alleles (0.000062%); highest among the groups gnomAD compares: Non-Finnish European, 0.000085%; no homozygotes.

Submission:

Labcorp Genetics (formerly Invitae), Labcorp
Classification: Uncertain significance. Last evaluated: 2022-07-10. Review status: criteria provided, single submitter. Criteria: Invitae Variant Classification Sherloc (09022015). Collection method: clinical testing. Allele origin: germline.
Comment: This sequence change replaces serine, which is neutral and polar, with arginine, which is basic and polar, at codon 939 of the ERCC6 protein (p.Ser939Arg). This variant is not present in population databases (gnomAD no frequency). This variant has not been reported in the literature in individuals affected with ERCC6-related conditions. Algorithms developed to predict the effect of missense changes on protein structure and function (SIFT, PolyPhen-2, Align-GVGD) all suggest that this variant is likely to be disruptive. In summary, the available evidence is currently insufficient to determine the role of this variant in disease. Therefore, it has been classified as a Variant of Uncertain Significance.